The following is an entry in ClinVar:

ClinVar aggregate classification (germline): Uncertain significance (1 of 4 stars; one submission).

Conditions:
Rhabdoid tumor predisposition syndrome 2 (RTPS2). Identifiers: Orphanet 231108, Orphanet 69077, MedGen C2750074, MONDO:0013224, OMIM 613325.

Submission:

Labcorp Genetics (formerly Invitae), Labcorp
Classification: Uncertain significance for Rhabdoid tumor predisposition syndrome 2. Last evaluated: 2025-05-21. Review status: criteria provided, single submitter. Criteria: Invitae Variant Classification Sherloc (09022015). Collection method: clinical testing. Allele origin: germline.
Comment: This sequence change replaces lysine, which is basic and polar, with asparagine, which is neutral and polar, at codon 1634 of the SMARCA4 protein (p.Lys1634Asn). This variant is not present in population databases (gnomAD no frequency). This variant has not been reported in the literature in individuals affected with SMARCA4-related conditions. Invitae Evidence Modeling of protein sequence and biophysical properties (such as structural, functional, and spatial information, amino acid conservation, physicochemical variation, residue mobility, and thermodynamic stability) indicates that this missense variant is not expected to disrupt SMARCA4 protein function with a negative predictive value of 80%. In summary, the available evidence is currently insufficient to determine the role of this variant in disease. Therefore, it has been classified as a Variant of Uncertain Significance.

NM_003072.5(SMARCA4):c.4806G>C (p.Lys1602Asn)

Gene: SMARCA4 (SWI/SNF related BAF chromatin remodeling complex subunit ATPase 4; plus strand). Cytogenetic location: 19p13.2.
Variant type: single nucleotide variant.
Coding change: c.4806G>C on transcript NM_003072.5 (MANE Select); coding-DNA position 4806, G replaced by C.
Protein change: p.Lys1602Asn; replaces lysine 1602 with asparagine.
Molecular consequence: missense variant. On other transcripts: non-coding transcript variant (1).
Genome position (GRCh38, 1-based): chr19:11,060,082, G>C. VCF-style: chr19-11060082-G-C. GRCh37 (hg19) VCF-style: chr19-11170758-G-C.
Other names: c.4806G>C, p.Lys1602Asn (NM_001128844.3); c.4716G>C, p.Lys1572Asn (NM_001128845.2); c.4713G>C, p.Lys1571Asn (NM_001128846.2); c.4707G>C, p.Lys1569Asn (NM_001128847.4, NM_001374457.1); c.4704G>C, p.Lys1568Asn (NM_001128848.2); c.4902G>C, p.Lys1634Asn (NM_001128849.3, NM_001387283.1); c.4803G>C, p.Lys1601Asn (NM_001411150.1); short protein forms K1568N, K1569N, K1571N, K1572N, K1601N, K1602N, K1634N.
Identifiers: ClinVar variation 4802590 (VCV004802590.1).